The following is an entry in ClinVar:

NM_001942.4(DSG1):c.3136C>A (p.Gln1046Lys)

Genes: DSG1 (desmoglein 1; plus strand), DSG1-AS1 (DSG1 antisense RNA 1; minus strand). Cytogenetic location: 18q12.1.
Variant type: single nucleotide variant.
Coding change: c.3136C>A on transcript NM_001942.4 (MANE Select); coding-DNA position 3136, C replaced by A.
Protein change: p.Gln1046Lys; replaces glutamine 1046 with lysine.
Molecular consequence: missense variant.
Genome position (GRCh38, 1-based): chr18:31,355,332, C>A. VCF-style: chr18-31355332-C-A. GRCh37 (hg19) VCF-style: chr18-28935295-C-A.
Other names: short protein forms Q1046K.
Identifiers: ClinVar variation 4715037 (VCV004715037.1).

ClinVar aggregate classification (germline): Uncertain significance (1 of 4 stars; one submission).

Submission:

Labcorp Genetics (formerly Invitae), Labcorp
Classification: Uncertain significance. Last evaluated: 2025-06-29. Review status: criteria provided, single submitter. Criteria: Invitae Variant Classification Sherloc (09022015). Collection method: clinical testing. Allele origin: germline.
Comment: This sequence change replaces glutamine, which is neutral and polar, with lysine, which is basic and polar, at codon 1046 of the DSG1 protein (p.Gln1046Lys). This variant is present in population databases (no rsID available, gnomAD 0.0009%). This variant has not been reported in the literature in individuals affected with DSG1-related conditions. An algorithm developed to predict the effect of missense changes on protein structure and function (PolyPhen-2) suggests that this variant is likely to be tolerated. In summary, the available evidence is currently insufficient to determine the role of this variant in disease. Therefore, it has been classified as a Variant of Uncertain Significance.